The following is an entry in ClinVar:

ClinVar aggregate classification (germline): Pathogenic (1 of 4 stars; one submission).

Conditions:
Salla disease (SD). Also called: Less Severe FSASD (Salla Disease); Sialuria, Finnish type; N-acetylneuraminic acid (NANA) storage disease (NSD); Infantile sialic acid storage disorder (ISSD). Identifiers: Orphanet 309334, Orphanet 834, MedGen C1096903, MONDO:0011449, OMIM 604369.

Submission:

Labcorp Genetics (formerly Invitae), Labcorp
Classification: Pathogenic for Salla disease. Last evaluated: 2021-07-03. Review status: criteria provided, single submitter. Criteria: Invitae Variant Classification Sherloc (09022015). Collection method: clinical testing. Allele origin: germline.
Comment: This sequence change creates a premature translational stop signal (p.Phe322Argfs*11) in the SLC17A5 gene. It is expected to result in an absent or disrupted protein product. Loss-of-function variants in SLC17A5 are known to be pathogenic (PMID: 10581036, 10947946, 15172001). For these reasons, this variant has been classified as Pathogenic. This variant has not been reported in the literature in individuals affected with SLC17A5-related conditions. This variant is not present in population databases (ExAC no frequency).

Literature cited by the submitters: PubMed 10581036; PubMed 10947946; PubMed 15172001.

NM_012434.5(SLC17A5):c.964_976del (p.Phe322fs)

Gene: SLC17A5 (solute carrier family 17 member 5; minus strand). Cytogenetic location: 6q13.
Variant type: Deletion.
Coding change: c.964_976del on transcript NM_012434.5 (MANE Select); coding-DNA positions 964 to 976, 13 bases deleted (TTCAATGTTCAAG).
Protein change: p.Phe322fs; shifts the reading frame from phenylalanine 322.
Molecular consequence: frameshift variant. On other transcripts: intron variant (1).
Genome position (GRCh38, 1-based): chr6:73,621,806-73,621,818, CTTGAACATTGAA deleted on the plus strand (TTCAATGTTCAAG on the coding strand, the reverse complement: SLC17A5 is on the minus strand); deleting any 13 consecutive bases within chr6:73,621,806-73,621,819 gives the same sequence; the c. name uses the placement nearest the transcript's 3' end. VCF-style (leftmost placement, unchanged base first): chr6-73621805-TCTTGAACATTGAA-T. GRCh37 (hg19) VCF-style: chr6-74331528-TCTTGAACATTGAA-T.
Other names: c.733_745del, p.Phe245fs (NM_001382629.1); c.964_976del, p.Phe322fs (NM_001382630.1, NM_001382633.1); c.985_997del, p.Phe329fs (NM_001382631.1); c.877_889del, p.Phe293fs (NM_001382632.1); c.961_973del, p.Phe321fs (NM_001382635.1); c.646_658del, p.Phe216fs (NM_001382636.1); c.820-6371_820-6359del (NM_001382634.1); short protein forms F216fs, F293fs, F322fs, F329fs, F245fs, F321fs.
Identifiers: ClinVar variation 1447940 (VCV001447940.6), dbSNP rs2150099225, ClinGen allele CA2573141127.